The following is an entry in ClinVar:

NM_002226.5(JAG2):c.2373C>T (p.Asn791=)

Gene: JAG2 (jagged canonical Notch ligand 2; minus strand). Cytogenetic location: 14q32.33.
Variant type: single nucleotide variant.
Coding change: c.2373C>T on transcript NM_002226.5 (MANE Select); coding-DNA position 2373, C replaced by T.
Protein change: p.Asn791=; no amino-acid change (asparagine 791 retained).
Molecular consequence: synonymous variant.
Genome position (GRCh38, 1-based): chr14:105,147,520, G>A on the plus strand (C>T on the coding strand, the complement: JAG2 is on the minus strand). VCF-style: chr14-105147520-G-A. GRCh37 (hg19) VCF-style: chr14-105613857-G-A.
Other names: c.2259C>T, p.Asn753= (NM_145159.3).
Identifiers: ClinVar variation 4872944 (VCV004872944.2).

ClinVar aggregate classification (germline): Likely benign (1 of 4 stars; one submission).

gnomAD v4.1: 149 of 1,612,070 alleles (0.0092%); highest among the groups gnomAD compares: Admixed American, 0.0083%; no homozygotes.

Submission:

CeGaT Center for Human Genetics Tuebingen
Classification: Likely benign. Last evaluated: 2026-06-01. Review status: criteria provided, single submitter. Criteria: CeGaT Center For Human Genetics Tuebingen Variant Classification Criteria Version 2. Collection method: clinical testing. Allele origin: germline. Affected: yes. Observed: 1 variant allele.
Comment: JAG2: BP4, BP7